The following is an entry in ClinVar:

ClinVar aggregate classification (germline): Uncertain significance (1 of 4 stars; one submission).

Conditions:
Oculodentodigital dysplasia (ODDD). Also called: ODD SYNDROME; Oculodentodigital syndrome. Identifiers: Orphanet 2710, MedGen C0812437, MONDO:0008111, OMIM 164200.

gnomAD v4.1: 1 of 1,614,200 alleles (0.000062%); highest among the groups gnomAD compares: Non-Finnish European, 0.000085%; no homozygotes.

Submission:

Illumina Laboratory Services, Illumina
Classification: Uncertain significance for Oculodentodigital dysplasia. Last evaluated: 2024-01-24. Review status: criteria provided, single submitter. Criteria: ISL SNV Classification Criteria 03 February 2026. Collection method: clinical testing. Allele origin: unknown.
Comment: The GJA1 c.410A>G p.(Tyr137Cys) missense variant has not, to our knowledge, been reported in the peer-reviewed literature. This variant is reported in the Genome Aggregation Database in one allele at a frequency of 0.000001 in the European (non-Finnish) population (version 4.0.0). The p.(Tyr137Cys) variant is located in the connexin domain that contains the majority of reported variants (PMID: 12457340; ClinVar). This variant has been shown to segregate with disease in this family. Based on the available evidence, the c.410A>G p.(Tyr137Cys) variant is classified as a variant of uncertain significance for oculodentodigital dysplasia.

Literature cited by the submitters: PubMed 12457340.

NM_000165.5(GJA1):c.410A>G (p.Tyr137Cys)

Gene: GJA1 (gap junction protein alpha 1; plus strand). Cytogenetic location: 6q22.31.
Variant type: single nucleotide variant.
Coding change: c.410A>G on transcript NM_000165.5 (MANE Select); coding-DNA position 410, A replaced by G.
Protein change: p.Tyr137Cys; replaces tyrosine 137 with cysteine.
Molecular consequence: missense variant.
Genome position (GRCh38, 1-based): chr6:121,447,257, A>G. VCF-style: chr6-121447257-A-G. GRCh37 (hg19) VCF-style: chr6-121768403-A-G.
Other names: short protein forms Y137C.
Identifiers: ClinVar variation 4759468 (VCV004759468.1).
Genomic context (GRCh38, chr6:121,447,257, plus strand): 5'-AAACTGATGGTGTCAATGTGGACATGCACTTGAAGCAGATTGAGATAAAGAAGTTCAAGT[A>G]CGGTATTGAAGAGCATGGTAAGGTGAAAATGCGAGGGGGGTTGCTGCGAACCTACATCAT-3'
Protein context (NP_000156.1, residues 127-147): LKQIEIKKFK[Tyr137Cys]GIEEHGKVKM